The following is an entry in ClinVar:

NM_001330311.2(DVL1):c.1919G>A (p.Gly640Glu)

Gene: DVL1 (dishevelled segment polarity protein 1; minus strand). Cytogenetic location: 1p36.33.
Variant type: single nucleotide variant.
Coding change: c.1919G>A on transcript NM_001330311.2 (MANE Select); coding-DNA position 1919, G replaced by A.
Protein change: p.Gly640Glu; replaces glycine 640 with glutamic acid.
Molecular consequence: missense variant.
Genome position (GRCh38, 1-based): chr1:1,336,311, C>T on the plus strand (G>A on the coding strand, the complement: DVL1 is on the minus strand). VCF-style: chr1-1336311-C-T. GRCh37 (hg19) VCF-style: chr1-1271691-C-T.
Other names: c.1844G>A, p.Gly615Glu (NM_004421.3); short protein forms G615E, G640E.
Identifiers: ClinVar variation 998464 (VCV000998464.9), dbSNP rs1643570171, ClinGen allele CA337854701.

ClinVar aggregate classification (germline): Uncertain significance (1 of 4 stars; one submission).

Allele frequency attached by ClinVar (database versions not stated): gnomAD exomes below 0.00001.
gnomAD v4.1: 1 of 1,567,312 alleles (0.000064%); highest among the groups gnomAD compares: South Asian, 0.0011%; no homozygotes.

Submission:

Labcorp Genetics (formerly Invitae), Labcorp
Classification: Uncertain significance. Last evaluated: 2020-02-10. Review status: criteria provided, single submitter. Criteria: Invitae Variant Classification Sherloc (09022015). Collection method: clinical testing. Allele origin: germline.
Comment: In summary, the available evidence is currently insufficient to determine the role of this variant in disease. Therefore, it has been classified as a Variant of Uncertain Significance. This variant has not been reported in the literature in individuals with DVL1-related conditions. The frequency data for this variant in the population databases is considered unreliable, as metrics indicate insufficient coverage at this position in the ExAC database. This sequence change replaces glycine with glutamic acid at codon 615 of the DVL1 protein (p.Gly615Glu). The glycine residue is moderately conserved and there is a moderate physicochemical difference between glycine and glutamic acid.